The following is an entry in ClinVar:

NM_001009944.3(PKD1):c.1606+1G>A

Gene: PKD1 (polycystin 1, transient receptor potential channel interacting; minus strand). Cytogenetic location: 16p13.3.
Variant type: single nucleotide variant.
Coding change: c.1606+1G>A on transcript NM_001009944.3 (MANE Select); the canonical splice donor site of the intron after coding-DNA position 1606, G replaced by A.
Molecular consequence: splice donor variant.
Genome position (GRCh38, 1-based): chr16:2,116,832, C>T on the plus strand (G>A on the coding strand, the complement: PKD1 is on the minus strand). VCF-style: chr16-2116832-C-T. GRCh37 (hg19) VCF-style: chr16-2166833-C-T.
Other names: c.1606+1G>A (NM_000296.4).
Identifiers: ClinVar variation 1172882 (VCV001172882.4), dbSNP rs2151820539, ClinGen allele CA394391650.

ClinVar aggregate classification (germline): Pathogenic. Review status: criteria provided, multiple submitters, no conflicts (2 of 4 stars). 3 submissions from 3 submitters: Pathogenic (3). Last evaluated 2022-02-17.

Conditions:
Polycystic kidney disease, adult type (PKD1). Also called: Polycystic Kidney Disease 1, Autosomal Dominant; Polycystic kidney disease 1; Polycystic kidney disease 1, severe; POLYCYSTIC KIDNEY DISEASE 1 WITH OR WITHOUT POLYCYSTIC LIVER DISEASE; POLYCYSTIC KIDNEY DISEASE, ADULT, TYPE I; Polycystic Kidney, Autosomal Dominant. Identifiers: MedGen C3149841, MONDO:0008263, OMIM 173900.

Submissions (3):

Fulgent Genetics
Classification: Pathogenic for Polycystic kidney disease, adult type. Last evaluated: 2022-02-17. Review status: criteria provided, single submitter. Criteria: ACMG Guidelines, 2015. Collection method: clinical testing. Allele origin: unknown.

Women's Health and Genetics/Laboratory Corporation of America, LabCorp
Classification: Pathogenic for Polycystic kidney disease, adult type. Last evaluated: 2021-06-09. Review status: criteria provided, single submitter. Criteria: LabCorp Variant Classification Summary - May 2015. Collection method: clinical testing. Allele origin: germline.
Comment: Variant summary: PKD1 c.1606+1G>A is located in a canonical splice-site and is predicted to affect mRNA splicing resulting in a significantly altered protein due to either exon skipping, shortening, or inclusion of intronic material. Several computational tools predict a significant impact on normal splicing: Four predict the variant abolishes a 5 splicing donor site and two predict that it creates a cryptic splice site. Consistent with these predictions, at least one publication reports experimental evidence that this variant affects mRNA splicing resulting in skipping of exon 7 (Rossetti_2000). The variant was absent in 135432 control chromosomes (gnomAD). c.1606+1G>A has been reported in the literature in multiple individuals affected with Polycystic Kidney Disease 1 (Rossetti_2000, Rossetti_2003, Yu_2011) and has also been shown to segregate with the disease in a large pedigree (Rossetti_2000). These data indicate that the variant is very likely to be associated with disease. No clinical diagnostic laboratories have submitted clinical-significance assessments for this variant to ClinVar after 2014. Based on the evidence outlined above, the variant was classified as pathogenic.

Juno Genomics, Hangzhou Juno Genomics, Inc
Classification: Pathogenic for Polycystic kidney disease, adult type. Review status: criteria provided, single submitter. Criteria: ACMG Guidelines, 2015. Collection method: clinical testing. Allele origin: germline. Affected: yes.
Comment: Absent from controls (or at extremely low frequency if recessive) in Genome Aggregation Database.;Null variant in a gene where loss of function (LOF) is a known mechanism of disease.;The prevalence of the variant in affected individuals is significantly increased compared to the prevalence in controls.;Patient's phenotype or family history is highly specific for a disease with a single genetic etiology.

Literature cited by the submitters: PubMed 11115377 (cited by Women's Health and Genetics/Laboratory Corporation of America, LabCorp); PubMed 12842373 (cited by Women's Health and Genetics/Laboratory Corporation of America, LabCorp); PubMed 22185115 (cited by Women's Health and Genetics/Laboratory Corporation of America, LabCorp).